The following is an entry in ClinVar:

NM_001367624.2(ZNF469):c.1488C>A (p.His496Gln)

Gene: ZNF469 (zinc finger protein 469; plus strand). Cytogenetic location: 16q24.2.
Variant type: single nucleotide variant.
Coding change: c.1488C>A on transcript NM_001367624.2 (MANE Select); coding-DNA position 1488, C replaced by A.
Protein change: p.His496Gln; replaces histidine 496 with glutamine.
Molecular consequence: missense variant.
Genome position (GRCh38, 1-based): chr16:88,428,958, C>A. VCF-style: chr16-88428958-C-A. GRCh37 (hg19) VCF-style: chr16-88495366-C-A.
Other names: NM_001127464.1:c.1488C>A; short protein forms H496Q.
Identifiers: ClinVar variation 1773707 (VCV001773707.3), dbSNP rs763933273, ClinGen allele CA8224679.

ClinVar aggregate classification (germline): Uncertain significance (1 of 4 stars; one submission).

Conditions:
Cardiovascular phenotype. Identifiers: MedGen CN230736.

Allele frequency attached by ClinVar (database versions not stated): ExAC 0.00008.
gnomAD v4.1: 11 of 1,547,928 alleles (0.00071%); highest among the groups gnomAD compares: African/African-American, 0.0096%; no homozygotes.

Submission:

Ambry Genetics
Classification: Uncertain significance for Cardiovascular phenotype. Last evaluated: 2023-08-11. Review status: criteria provided, single submitter. Criteria: Ambry Variant Classification Scheme 2023. Collection method: clinical testing. Allele origin: germline.
Comment: The p.H496Q variant (also known as c.1488C>A), located in coding exon 1 of the ZNF469 gene, results from a C to A substitution at nucleotide position 1488. The histidine at codon 496 is replaced by glutamine, an amino acid with highly similar properties. This amino acid position is conserved. In addition, this alteration is predicted to be tolerated by in silico analysis. Since supporting evidence is limited at this time, the clinical significance of this alteration remains unclear.